The following is an entry in ClinVar:

NM_000135.4(FANCA):c.1297G>T (p.Val433Phe)

Gene: FANCA (FA complementation group A; minus strand). Cytogenetic location: 16q24.3.
Variant type: single nucleotide variant.
Coding change: c.1297G>T on transcript NM_000135.4 (MANE Select); coding-DNA position 1297, G replaced by T.
Protein change: p.Val433Phe; replaces valine 433 with phenylalanine.
Molecular consequence: missense variant.
Genome position (GRCh38, 1-based): chr16:89,791,465, C>A on the plus strand (G>T on the coding strand, the complement: FANCA is on the minus strand). VCF-style: chr16-89791465-C-A. GRCh37 (hg19) VCF-style: chr16-89857873-C-A.
Other names: c.1297G>T, p.Val433Phe (NM_001286167.3); short protein forms V433F.
Identifiers: ClinVar variation 4022194 (VCV004022194.1).

ClinVar aggregate classification (germline): Uncertain significance (1 of 4 stars; one submission).

Conditions:
Inborn genetic diseases. Identifiers: MedGen C0950123, MeSH D030342.

Submission:

Ambry Genetics
Classification: Uncertain significance for Inborn genetic diseases. Last evaluated: 2025-04-17. Review status: criteria provided, single submitter. Criteria: Ambry Variant Classification Scheme 2023. Collection method: clinical testing. Allele origin: germline.
Comment: The p.V433F variant (also known as c.1297G>T), located in coding exon 14 of the FANCA gene, results from a G to T substitution at nucleotide position 1297. The valine at codon 433 is replaced by phenylalanine, an amino acid with highly similar properties. This amino acid position is conserved. In addition, the in silico prediction for this alteration is inconclusive. Based on the available evidence, the clinical significance of this variant remains unclear.